The following is an entry in ClinVar:

ClinVar aggregate classification (germline): Uncertain significance (1 of 4 stars; one submission).

Conditions:
Hypertrophic cardiomyopathy. Also called: HYPERTROPHIC MYOCARDIOPATHY. Identifiers: Orphanet 217569, MedGen C0007194, MeSH D002312, MONDO:0005045, HP:0001639.

Submission:

Labcorp Genetics (formerly Invitae), Labcorp
Classification: Uncertain significance for Hypertrophic cardiomyopathy. Last evaluated: 2022-11-10. Review status: criteria provided, single submitter. Criteria: Invitae Variant Classification Sherloc (09022015). Collection method: clinical testing. Allele origin: germline.
Comment: In summary, the available evidence is currently insufficient to determine the role of this variant in disease. Therefore, it has been classified as a Variant of Uncertain Significance. Algorithms developed to predict the effect of missense changes on protein structure and function are either unavailable or do not agree on the potential impact of this missense change (SIFT: "Tolerated"; PolyPhen-2: "Possibly Damaging"; Align-GVGD: "Class C0"). ClinVar contains an entry for this variant (Variation ID: 1007725). This variant has not been reported in the literature in individuals affected with TPM1-related conditions. This variant is not present in population databases (gnomAD no frequency). This sequence change replaces tyrosine, which is neutral and polar, with histidine, which is basic and polar, at codon 60 of the TPM1 protein (p.Tyr60His).

NM_001018005.2(TPM1):c.178T>C (p.Tyr60His)

Gene: TPM1 (tropomyosin 1; plus strand). Cytogenetic location: 15q22.2.
Variant type: single nucleotide variant.
Coding change: c.178T>C on transcript NM_001018005.2 (MANE Select); coding-DNA position 178, T replaced by C.
Protein change: p.Tyr60His; replaces tyrosine 60 with histidine.
Molecular consequence: missense variant. On other transcripts: intron variant (3).
Genome position (GRCh38, 1-based): chr15:63,044,090, T>C. VCF-style: chr15-63044090-T-C. GRCh37 (hg19) VCF-style: chr15-63336289-T-C.
Other names: c.178T>C, p.Tyr60His (NM_000366.6, NM_001018004.2, NM_001018006.2 and 3 more transcripts); c.304T>C, p.Tyr102His (NM_001365778.1); c.240+259T>C (NM_001018020.2, NM_001018007.2, NM_001301244.2); short protein forms Y102H, Y60H.
Identifiers: ClinVar variation 1007725 (VCV001007725.8), dbSNP rs2031862156, ClinGen allele CA392718616.